The following is an entry in ClinVar:

ClinVar aggregate classification (germline): Conflicting classifications of pathogenicity. Review status: criteria provided, conflicting classifications (1 of 4 stars). 15 submissions from 15 submitters: Uncertain significance (7); Likely benign (6). 2 of the submissions do not count toward it. Last evaluated 2026-04-22.

Conditions:
BRCA2-related cancer predisposition. Identifiers: MedGen CN377758, MONDO:0700269.
BRCA2-related disorder. Also called: BRCA2-related condition; BRCA2-related disorders. Identifiers: MedGen CN239275.
Pancreatic cancer, susceptibility to, 2. Identifiers: Orphanet 1333, MedGen C3150546, MONDO:0013235, OMIM 613347.
Glioma susceptibility 3 (GLM3). Also called: Glioblastoma 3. Identifiers: Orphanet 182067, Orphanet 360, MedGen C2751641, MONDO:0013093, OMIM 613029.
Breast-ovarian cancer, familial, susceptibility to, 2 (BROVCA2). Also called: BRCA2 Hereditary Breast and Ovarian Cancer. Identifiers: Orphanet 145, MedGen C2675520, MONDO:0012933, OMIM 612555. Disease mechanism: loss of function.
Fanconi anemia complementation group D1. Also called: BRCA2-Related Fanconi Anemia. Identifiers: Orphanet 319462, MedGen C1838457, MONDO:0011584, OMIM 605724.
Medulloblastoma (MDB). Also called: Medulloblastoma, somatic; MEDULLOBLASTOMA PREDISPOSITION SYNDROME. Identifiers: Orphanet 616, MedGen C0025149, MeSH D008527, MONDO:0007959, OMIM 155255, HP:0002885.
Wilms tumor 1 (WT1). Also called: Wilms tumor, somatic. Identifiers: Orphanet 654, MedGen CN033288, MONDO:0008679, OMIM 194070.
Prostate cancer. Also called: Malignant tumor of prostate. Identifiers: Orphanet 1331, MedGen C0376358, MONDO:0008315, HP:0012125.
Familial cancer of breast. Also called: BREAST CANCER, FAMILIAL; hereditary breast carcinoma; Hereditary breast cancer. Identifiers: Orphanet 227535, MedGen C0346153, MONDO:0016419, OMIM 114480. Disease mechanism: loss of function.
Familial prostate cancer. Also called: Hereditary Prostate Cancer. Identifiers: MedGen C2931456, MONDO:0700275, OMIM 176807.
Hereditary cancer-predisposing syndrome. Also called: Neoplastic Syndromes, Hereditary; Tumor predisposition; Hereditary Cancer Syndrome; Hereditary neoplastic syndrome. Identifiers: Orphanet 140162, MedGen C0027672, MeSH D009386, MONDO:0015356.
Hereditary breast ovarian cancer syndrome. Also called: Breast and ovarian cancer; Hereditary breast and ovarian cancer; Hereditary breast and ovarian cancer syndrome (HBOC); Hereditary breast and ovarian cancer syndrome; BRCA1- and BRCA2-Associated Hereditary Breast and Ovarian Cancer; Hereditary breast and/or ovarian cancer syndrome. Identifiers: Orphanet 145, MedGen C0677776, MeSH D061325, MONDO:0003582. Disease mechanism: loss of function.

Allele frequency attached by ClinVar (database versions not stated): gnomAD exomes 0.00001 and 0.00007; TOPMed 0.00002; ExAC 0.00005.
gnomAD v4.1: 19 of 1,577,320 alleles (0.0012%); highest among the groups gnomAD compares: Admixed American, 0.03%; no homozygotes.

Submissions (15):

PreventionGenetics, part of Exact Sciences
Classification: Likely benign for BRCA2-related condition. Last evaluated: 2026-04-22. Review status: criteria provided, single submitter. Criteria: ACMG Guidelines, 2015. Collection method: clinical testing. Allele origin: germline.
Comment: This variant is classified as likely benign based on ACMG/AMP sequence variant interpretation guidelines (Richards et al. 2015 PMID: 25741868, with internal and published modifications).

Women's Health and Genetics/Laboratory Corporation of America, LabCorp
Classification: Likely benign. Last evaluated: 2026-01-19. Review status: criteria provided, single submitter. Criteria: LabCorp Variant Classification Summary - May 2015. Collection method: clinical testing. Allele origin: germline.
Comment: Variant summary: BRCA2 c.6877T>C (p.Phe2293Leu) results in a non-conservative amino acid change in the encoded protein sequence. Algorithms developed to predict the effect of missense changes on protein structure and function all suggest that this variant is likely to be disruptive. The variant allele was found at a frequency of 7.2e-05 in 249144 control chromosomes, predominantly at a frequency of 0.0005 within the Latino subpopulation in the gnomAD database. This frequency is not significantly higher than estimated for disease-causing variants in BRCA2, allowing no conclusion about variant significance. c.6877T>C has been reported in the literature in individuals of Mexican descent who were affected with Hereditary Breast and Ovarian Cancer (Ruiz-Flores_2002, Calderon-Garciduenas_2005, Quezada_2018, Jacobs_2024), however without strong evidence for causality (such as co-segregation data). These reports therefore, do not provide unequivocal conclusions about association of the variant with Hereditary Breast and Ovarian Cancer. Co-occurrences with other pathogenic variants have been reported (in the BIC database: BRCA1 c.798_799delTT (p.Val266_Ser267ValLysfs) and in an internal LCA sample: BRCA2 c.6078_6079delAA (p.Glu2028fsX20)), providing supporting evidence for a benign role. At least one publication reports experimental evidence evaluating an impact on protein function evaluating cell survival and apoptotic index of stably transfected cell lines treated with cisplatin. These results showed no damaging effect of this variant (Warren 2011). The following publications have been ascertained in the context of this evaluation (PMID: 15889636, 30262796, 34196900, 12442275, 21741379, 31331294, 34326328, 38650031, 35260348, 33010199, 34884835). ClinVar contains an entry for this variant (Variation ID: 52216). Based on the evidence outlined above, the variant was classified as likely benign.

Labcorp Genetics (formerly Invitae), Labcorp
Classification: Likely benign for Hereditary breast ovarian cancer syndrome. Last evaluated: 2026-01-10. Review status: criteria provided, single submitter. Criteria: Invitae Variant Classification Sherloc (09022015). Collection method: clinical testing. Allele origin: germline.

ARUP Laboratories, Molecular Genetics and Genomics, ARUP Laboratories
Classification: Likely benign. Last evaluated: 2024-11-26. Review status: criteria provided, single submitter. Criteria: ARUP Molecular Germline Variant Investigation Process 2024. Collection method: clinical testing. Allele origin: germline.

All of Us Research Program, National Institutes of Health
Classification: Uncertain significance for BRCA2-related cancer predisposition. Last evaluated: 2024-08-13. Review status: criteria provided, single submitter. Criteria: ACMG Guidelines, 2015. Collection method: clinical testing. Allele origin: germline. Inheritance: Autosomal dominant inheritance. Observed: 7 variant alleles, 7 heterozygotes.
Comment: This missense variant replaces phenylalanine with leucine at codon 2293 of the BRCA2 protein. Computational prediction is inconclusive regarding the impact of this variant on protein structure and function (internally defined REVEL score threshold 0.5 < inconclusive < 0.7, PMID: 27666373). To our knowledge, functional studies have not been reported for this variant. This variant has been reported in 1 individual affected with breast cancer and 1 unaffected individual (PMID: 15889636, 31331294). This variant has been identified in 17/248864 chromosomes in the general population by the Genome Aggregation Database (gnomAD). The available evidence is insufficient to determine the role of this variant in disease conclusively. Therefore, this variant is classified as a Variant of Uncertain Significance.

This study involves interpretation of variants in research participants for the purpose of population health screening. Participant phenotype was not available at the time of variant classification. Additional details can be found in publication PMID: 35346344, PMCID: PMC8962531

Color Diagnostics, LLC DBA Color Health
Classification: Uncertain significance for Hereditary cancer-predisposing syndrome. Last evaluated: 2024-07-01. Review status: criteria provided, single submitter. Criteria: ACMG Guidelines, 2015. Collection method: clinical testing. Allele origin: germline.
Comment: This missense variant replaces phenylalanine with leucine at codon 2293 of the BRCA2 protein. Computational prediction is inconclusive regarding the impact of this variant on protein structure and function. To our knowledge, functional studies have not been reported for this variant. This variant has been reported in at least four individuals affected with breast cancer and in one unaffected individual (PMID: 15889636, 31331294, 34196900). This variant has been identified in 17/248864 chromosomes in the general population by the Genome Aggregation Database (gnomAD). The available evidence is insufficient to determine the role of this variant in disease conclusively. Therefore, this variant is classified as a Variant of Uncertain Significance.

Department of Pathology and Laboratory Medicine, Sinai Health System
Classification: Uncertain significance for Familial prostate cancer. Last evaluated: 2024-06-03. Review status: criteria provided, single submitter. Criteria: ACMG Guidelines, 2015. Collection method: clinical testing. Allele origin: germline. Affected: yes.

Quest Diagnostics Nichols Institute San Juan Capistrano
Classification: Likely benign. Last evaluated: 2023-03-08. Review status: criteria provided, single submitter. Criteria: Quest Diagnostics criteria. Collection method: clinical testing. Allele origin: unknown.

GeneDx
Classification: Uncertain significance. Last evaluated: 2022-07-22. Review status: criteria provided, single submitter. Criteria: GeneDx Variant Classification Process June 2021. Collection method: clinical testing. Allele origin: germline. Affected: yes.
Comment: Observed in individuals with a personal or family history of breast cancer (Ruiz-Flores 2002, Quezada Urban 2018); Published functional studies demonstrate no damaging effect: No significant impact on cell growth or cisplatin sensitivity compared to wild type in an in vitro assay (Warren 2011); In silico analysis supports that this missense variant does not alter protein structure/function; Also known as BRCA2 7105T>C; This variant is associated with the following publications: (PMID: 15889636, 12442275, 30262796, 21741379, 31331294)

Ambry Genetics
Classification: Likely benign for Hereditary cancer-predisposing syndrome. Last evaluated: 2021-07-23. Review status: criteria provided, single submitter. Criteria: Ambry Variant Classification Scheme 2023. Collection method: clinical testing. Allele origin: germline.

Baylor Genetics
Classification: Uncertain significance for Breast-ovarian cancer, familial, susceptibility to, 2. Last evaluated: 2020-01-07. Review status: criteria provided, single submitter. Criteria: ACMG Guidelines, 2015. Collection method: clinical testing. Allele origin: paternal. Affected: yes. Study: CSER-TexasKidsCanSeq.
Comment: This variant was determined to be of uncertain significance according to ACMG Guidelines, 2015 [PMID:25741868].

Fulgent Genetics
Classification: Uncertain significance for Familial cancer of breast; Medulloblastoma; Familial prostate cancer; Wilms tumor 1; Fanconi anemia complementation group D1; Breast-ovarian cancer, familial, susceptibility to, 2; Glioma susceptibility 3; Pancreatic cancer, susceptibility to, 2. Last evaluated: 2018-10-31. Review status: criteria provided, single submitter. Criteria: ACMG Guidelines, 2015. Collection method: clinical testing. Allele origin: unknown.

Eurofins Ntd Llc (ga)
Classification: Uncertain significance. Last evaluated: 2014-12-02. Review status: criteria provided, single submitter. Criteria: EGL Classification Definitions 2015. Collection method: clinical testing. Allele origin: germline.

Sharing Clinical Reports Project (SCRP)
Classification: Uncertain significance for Breast-ovarian cancer, familial 2. Last evaluated: 2011-08-17. Review status: no assertion criteria provided. Collection method: clinical testing. Allele origin: germline. Not counted in ClinVar's aggregate classification.

Breast Cancer Information Core (BIC) (BRCA2)
Classification: Uncertain significance for Breast-ovarian cancer, familial 2. Last evaluated: 1999-04-12. Review status: no assertion criteria provided. Collection method: clinical testing. Allele origin: germline. Affected: yes. Observed: 2 variant alleles. Not counted in ClinVar's aggregate classification.

Literature cited by the submitters: PubMed 12442275 (cited by 4 submitters); PubMed 21741379 (cited by 4 submitters); PubMed 15889636 (cited by 5 submitters); PubMed 30262796 (cited by 4 submitters); PubMed 31331294 (cited by 3 submitters); PubMed 33010199 (cited by Women's Health and Genetics/Laboratory Corporation of America, LabCorp and Quest Diagnostics Nichols Institute San Juan Capistrano); PubMed 34196900 (cited by Women's Health and Genetics/Laboratory Corporation of America, LabCorp and Color Diagnostics, LLC DBA Color Health); PubMed 34884835 (cited by Women's Health and Genetics/Laboratory Corporation of America, LabCorp); PubMed 35260348 (cited by Women's Health and Genetics/Laboratory Corporation of America, LabCorp); PubMed 34326328 (cited by Women's Health and Genetics/Laboratory Corporation of America, LabCorp); PubMed 38650031 (cited by Women's Health and Genetics/Laboratory Corporation of America, LabCorp).

NM_000059.4(BRCA2):c.6877T>C (p.Phe2293Leu)

Gene: BRCA2 (BRCA2 DNA repair associated; plus strand). Cytogenetic location: 13q13.1.
Variant type: single nucleotide variant.
Coding change: c.6877T>C on transcript NM_000059.4 (MANE Select); coding-DNA position 6877, T replaced by C.
Protein change: p.Phe2293Leu; replaces phenylalanine 2293 with leucine.
Molecular consequence: missense variant.
Genome position (GRCh38, 1-based): chr13:32,344,593, T>C. VCF-style: chr13-32344593-T-C. GRCh37 (hg19) VCF-style: chr13-32918730-T-C.
Other names: 7105T>C; short protein forms F2293L.
Identifiers: ClinVar variation 52216 (VCV000052216.49), dbSNP rs80358912, ClinGen allele CA024533.